The following is an entry in ClinVar:

ClinVar aggregate classification (germline): Uncertain significance (1 of 4 stars; one submission).

Submission:

GeneDx
Classification: Uncertain significance. Last evaluated: 2020-01-16. Review status: criteria provided, single submitter. Criteria: GeneDx Variant Classification Process June 2021. Collection method: clinical testing. Allele origin: germline. Affected: yes.
Comment: Not observed in large population cohorts (Lek et al., 2016); In silico analysis, which includes protein predictors and evolutionary conservation, supports a deleterious effect; Has not been previously published as pathogenic or benign to our knowledge

NM_015972.4(POLR1D):c.224C>A (p.Pro75His)

Genes: POLR1D (RNA polymerase I and III subunit D; plus strand), LOC147380392 (uncharacterized LOC147380392; plus strand). Cytogenetic location: 13q12.2.
Variant type: single nucleotide variant.
Coding change: c.224C>A on transcript NM_015972.4 (MANE Select); coding-DNA position 224, C replaced by A.
Protein change: p.Pro75His; replaces proline 75 with histidine.
Molecular consequence: missense variant. On other transcripts: intron variant (2).
Genome position (GRCh38, 1-based): chr13:27,623,072, C>A. VCF-style: chr13-27623072-C-A. GRCh37 (hg19) VCF-style: chr13-28197209-C-A.
Other names: c.224C>A, p.Pro75His (NM_001374407.1); c.-59+1932C>A (NM_001206559.2); c.26+1063C>A (NM_152705.3); short protein forms P75H.
Identifiers: ClinVar variation 1308865 (VCV001308865.2), dbSNP rs2138518961, ClinGen allele CA387635471.